The following is an entry in ClinVar:

NM_006939.4(SOS2):c.3327C>A (p.Asn1109Lys)

Gene: SOS2 (SOS Ras/Rho guanine nucleotide exchange factor 2; minus strand). Cytogenetic location: 14q21.3.
Variant type: single nucleotide variant.
Coding change: c.3327C>A on transcript NM_006939.4 (MANE Select); coding-DNA position 3327, C replaced by A.
Protein change: p.Asn1109Lys; replaces asparagine 1109 with lysine.
Molecular consequence: missense variant.
Genome position (GRCh38, 1-based): chr14:50,130,511, G>T on the plus strand (C>A on the coding strand, the complement: SOS2 is on the minus strand). VCF-style: chr14-50130511-G-T. GRCh37 (hg19) VCF-style: chr14-50597229-G-T.
Other names: c.3228C>A, p.Asn1076Lys (NM_001411020.1); short protein forms N1076K, N1109K.
Identifiers: ClinVar variation 3636087 (VCV003636087.2).
Genomic context (GRCh38, chr14:50,130,511, plus strand): 5'-CTGAGACACAGGATTCCTTTTTTACCAAGCGGTTTACATCAAATACTTACCACAGGAGCT[G>T]TTGAGATCCACATCTAAAAATACACTAAGGTCTGAAGAAGCAGATACTGGTGGAGTAGAT-3'
Protein context (NP_008870.2, residues 1099-1119): DLSVFLDVDL[Asn1109Lys]SSCGSNSIFA

ClinVar aggregate classification (germline): Uncertain significance (1 of 4 stars; one submission).

Conditions:
Noonan syndrome 9 (NS9). Identifiers: Orphanet 648, MedGen C4225282, MONDO:0014691, OMIM 616559.

Submission:

Labcorp Genetics (formerly Invitae), Labcorp
Classification: Uncertain significance for Noonan syndrome 9. Last evaluated: 2024-05-31. Review status: criteria provided, single submitter. Criteria: Invitae Variant Classification Sherloc (09022015). Collection method: clinical testing. Allele origin: germline.
Comment: This sequence change replaces asparagine, which is neutral and polar, with lysine, which is basic and polar, at codon 1109 of the SOS2 protein (p.Asn1109Lys). This variant is not present in population databases (gnomAD no frequency). This variant has not been reported in the literature in individuals affected with SOS2-related conditions. Advanced modeling of protein sequence and biophysical properties (such as structural, functional, and spatial information, amino acid conservation, physicochemical variation, residue mobility, and thermodynamic stability) performed at Invitae indicates that this missense variant is not expected to disrupt SOS2 protein function with a negative predictive value of 95%. In summary, the available evidence is currently insufficient to determine the role of this variant in disease. Therefore, it has been classified as a Variant of Uncertain Significance.